The following is an entry in ClinVar:

NM_001106.4(ACVR2B):c.1005C>T (p.Ala335=)

Gene: ACVR2B (activin A receptor type 2B; plus strand). Cytogenetic location: 3p22.2.
Variant type: single nucleotide variant.
Coding change: c.1005C>T on transcript NM_001106.4 (MANE Select); coding-DNA position 1005, C replaced by T.
Protein change: p.Ala335=; no amino-acid change (alanine 335 retained).
Molecular consequence: synonymous variant.
Genome position (GRCh38, 1-based): chr3:38,481,396, C>T. VCF-style: chr3-38481396-C-T. GRCh37 (hg19) VCF-style: chr3-38522887-C-T.
Identifiers: ClinVar variation 3054719 (VCV003054719.2), dbSNP rs760786857, ClinGen allele CA2318966.

ClinVar aggregate classification (germline): Likely benign (0 of 4 stars; one submission).

Conditions:
ACVR2B-related disorder. Also called: ACVR2B-related condition.

Allele frequency attached by ClinVar (database versions not stated): ExAC 0.00002; gnomAD 0.00002; TOPMed 0.00003.
gnomAD v4.1: 24 of 1,614,082 alleles (0.0015%); highest among the groups gnomAD compares: African/African-American, 0.008%; no homozygotes.

Submission:

PreventionGenetics, part of Exact Sciences
Classification: Likely benign for ACVR2B-related condition. Last evaluated: 2023-03-10. Review status: no assertion criteria provided. Collection method: clinical testing. Allele origin: germline.
Comment: This variant is classified as likely benign based on ACMG/AMP sequence variant interpretation guidelines (Richards et al. 2015 PMID: 25741868, with internal and published modifications).